The following is an entry in ClinVar:

ClinVar aggregate classification (germline): Conflicting classifications of pathogenicity. Review status: criteria provided, conflicting classifications (1 of 4 stars). 4 submissions from 4 submitters: Uncertain significance (1); Likely benign (3). Last evaluated 2025-02-12.

Conditions:
BDP1-related disorder. Also called: BDP1-related condition.

Allele frequency attached by ClinVar (database versions not stated): TOPMed 0.00019; 1000 Genomes Project 0.00020; ESP Exome Variant Server 0.00025; gnomAD 0.00025 and 0.00033; gnomAD exomes 0.00034 and 0.00048; ExAC 0.00044; 1000 Genomes Project 30x 0.00047.
gnomAD v4.1: 555 of 1,613,614 alleles (0.034%); highest among the groups gnomAD compares: South Asian, 0.22%; 4 homozygotes.

Submissions (4):

PreventionGenetics, part of Exact Sciences
Classification: Likely benign for BDP1-related condition. Last evaluated: 2025-02-12. Review status: criteria provided, single submitter. Criteria: ACMG Guidelines, 2015. Collection method: clinical testing. Allele origin: germline.
Comment: This variant is classified as likely benign based on ACMG/AMP sequence variant interpretation guidelines (Richards et al. 2015 PMID: 25741868, with internal and published modifications).

Ambry Genetics
Classification: Uncertain significance. Last evaluated: 2024-12-10. Review status: criteria provided, single submitter. Criteria: Ambry Variant Classification Scheme 2023. Collection method: clinical testing. Allele origin: germline.

Blueprint Genetics
Classification: Likely benign. Last evaluated: 2024-11-04. Review status: criteria provided, single submitter. Criteria: ACMG Guidelines, 2015. Collection method: clinical testing. Allele origin: germline.

GeneDx
Classification: Likely benign. Last evaluated: 2020-08-03. Review status: criteria provided, single submitter. Criteria: GeneDx Variant Classification Process June 2021. Collection method: clinical testing. Allele origin: germline. Affected: yes.

NM_018429.3(BDP1):c.5845G>A (p.Val1949Met)

Gene: BDP1 (BDP1 general transcription factor IIIB subunit; plus strand). Cytogenetic location: 5q13.2.
Variant type: single nucleotide variant.
Coding change: c.5845G>A on transcript NM_018429.3 (MANE Select); coding-DNA position 5845, G replaced by A.
Protein change: p.Val1949Met; replaces valine 1949 with methionine.
Molecular consequence: missense variant.
Genome position (GRCh38, 1-based): chr5:71,532,380, G>A. VCF-style: chr5-71532380-G-A. GRCh37 (hg19) VCF-style: chr5-70828207-G-A.
Other names: short protein forms V1949M.
Identifiers: ClinVar variation 512154 (VCV000512154.6), dbSNP rs199778972, ClinGen allele CA3297039.
Genomic context (GRCh38, chr5:71,532,380, plus strand): 5'-GTGAATGTCCCAGATGTAGGATGCATAGCTGTTGTTGAACATGAGCTACCAAACACAGAT[G>A]TGACTACTGAAGAAATGAAACAAGAAGAAAATTTGAGTGTACCGTTTGTAAGCATCCATT-3'
Protein context (NP_060899.2, residues 1939-1959): VVEHELPNTD[Val1949Met]TTEEMKQEEN